The following is an entry in ClinVar:

ClinVar aggregate classification (germline): other (0 of 4 stars; one submission).

Conditions:
Familial colorectal cancer. Identifiers: MedGen CN280943, MONDO:0023113. Disease mechanism: loss of function.

Submission:

Systems Biology Platform Zhejiang California International NanoSystems Institute
Classification: other for Familial colorectal cancer. Review status: no assertion criteria provided. Collection method: not provided. Allele origin: unknown.
ClinVar note: Converted during submission from cancer to other.

NM_000038.6(APC):c.422+1584T>C

Gene: APC (APC regulator of WNT signaling pathway; plus strand). Cytogenetic location: 5q22.2.
Variant type: single nucleotide variant.
Coding change: c.422+1584T>C on transcript NM_000038.6 (MANE Select); 1584 bases into the intron after coding-DNA position 422, T replaced by C.
Molecular consequence: intron variant.
Genome position (GRCh38, 1-based): chr5:112,768,974, T>C. VCF-style: chr5-112768974-T-C. GRCh37 (hg19) VCF-style: chr5-112104671-T-C.
Other names: c.422+1584T>C (NM_001354895.2, NM_001127510.3, NM_001354896.2 and 2 more transcripts); c.452+1584T>C (NM_001354897.2, NM_001354902.2, NM_001127511.3); c.347+1584T>C (NM_001354898.2, NM_001354904.2); c.-614+1584T>C (NM_001354906.2); c.245+1584T>C (NM_001354900.2, NM_001354901.2, NM_001354905.2).
Identifiers: ClinVar variation 82881 (VCV000082881.2), dbSNP rs76318041, ClinGen allele CA009025.
Genomic context (GRCh38, chr5:112,768,974, plus strand): 5'-TATTCCTCCTATCTAGCTGTAATTTTATATTCTTTAACAAATCTCTCTTTATCTCTTCTT[T>C]CCCTCTGTGTTTCCTAGCCTCTAGTATTTACTTTTTACTTCTGTTAGTAAAAAGTAAATT-3'